The following is an entry in ClinVar:

ClinVar aggregate classification (germline): Likely benign. Review status: criteria provided, multiple submitters, no conflicts (2 of 4 stars). 6 submissions from 6 submitters: Likely benign (5). 1 of the submissions does not count toward it. Last evaluated 2026-03-01.

Conditions:
PIK3CA-related disorder. Also called: PIK3CA-related condition; PIK3CA- related disease; PIK3CA-related disorders.
Cowden syndrome 5 (CWS5). Identifiers: Orphanet 201, MedGen C3554518, MONDO:0014047, OMIM 615108.
Inborn genetic diseases. Identifiers: MedGen C0950123, MeSH D030342.
Cowden syndrome (CS). Also called: Cowden's disease; Cowden's syndrome; Cowden disease. Identifiers: Orphanet 201, MedGen C0018553, MONDO:0016063. Disease mechanism: gain of function.

Allele frequency attached by ClinVar (database versions not stated): ESP Exome Variant Server 0.00017; gnomAD exomes 0.00017 and 0.00026; ExAC 0.00020; gnomAD 0.00022 and 0.00023; TOPMed 0.00031.

Submissions (6):

CeGaT Center for Human Genetics Tuebingen
Classification: Likely benign. Last evaluated: 2026-03-01. Review status: criteria provided, single submitter. Criteria: CeGaT Center For Human Genetics Tuebingen Variant Classification Criteria Version 2. Collection method: clinical testing. Allele origin: germline. Affected: yes. Observed: 6 variant alleles.
Comment: PIK3CA: BP4, BP7

Labcorp Genetics (formerly Invitae), Labcorp
Classification: Likely benign for Cowden syndrome. Last evaluated: 2025-07-14. Review status: criteria provided, single submitter. Criteria: Invitae Variant Classification Sherloc (09022015). Collection method: clinical testing. Allele origin: germline.

Blueprint Genetics
Classification: Likely benign. Last evaluated: 2023-12-29. Review status: criteria provided, single submitter. Criteria: ACMG Guidelines, 2015. Collection method: clinical testing. Allele origin: germline.

KCCC/NGS Laboratory, Kuwait Cancer Control Center
Classification: Likely benign for Cowden syndrome 5. Last evaluated: 2023-07-07. Review status: criteria provided, single submitter. Criteria: ACMG Guidelines, 2015. Collection method: clinical testing. Allele origin: germline. Affected: yes.

Ambry Genetics
Classification: Likely benign for Inborn genetic diseases. Last evaluated: 2022-02-15. Review status: criteria provided, single submitter. Criteria: Ambry Variant Classification Scheme 2023. Collection method: clinical testing. Allele origin: germline.

PreventionGenetics, part of Exact Sciences
Classification: Likely benign for PIK3CA-related condition. Last evaluated: 2023-02-13. Review status: no assertion criteria provided. Collection method: clinical testing. Allele origin: germline. Not counted in ClinVar's aggregate classification.
Comment: This variant is classified as likely benign based on ACMG/AMP sequence variant interpretation guidelines (Richards et al. 2015 PMID: 25741868, with internal and published modifications).

NM_006218.4(PIK3CA):c.1056T>C (p.Asp352=)

Gene: PIK3CA (phosphatidylinositol-4,5-bisphosphate 3-kinase catalytic subunit alpha; plus strand). Cytogenetic location: 3q26.32.
Variant type: single nucleotide variant.
Coding change: c.1056T>C on transcript NM_006218.4 (MANE Select); coding-DNA position 1056, T replaced by C.
Protein change: p.Asp352=; no amino-acid change (aspartic acid 352 retained).
Molecular consequence: synonymous variant.
Genome position (GRCh38, 1-based): chr3:179,203,786, T>C. VCF-style: chr3-179203786-T-C. GRCh37 (hg19) VCF-style: chr3-178921574-T-C.
Other names: c.1056T>C (LRG_310t1, NM_006218.3).
Identifiers: ClinVar variation 246680 (VCV000246680.58), dbSNP rs1131681, ClinGen allele CA2710622.
Genomic context (GRCh38, chr3:179,203,786, plus strand): 5'-TGCACTCAGAATAAAAATTCTTTGTGCAACCTACGTGAATGTAAATATTCGAGACATTGA[T>C]AAGGTAAAGTCAAATGCTGATGCTTATTATTTTATAGAAATTATTTTAGATAACCTTTTT-3'
Protein context (NP_006209.2, residues 342-362): TYVNVNIRDI[Asp352=]KIYVRTGIYH